The following is an entry in ClinVar:

ClinVar aggregate classification (germline): Likely benign (1 of 4 stars; one submission).

Allele frequency attached by ClinVar (database versions not stated): TOPMed 0.00782; gnomAD exomes 0.00086; 1000 Genomes Project 30x 0.00906; gnomAD 0.00694 and 0.00744; 1000 Genomes Project 0.00879.

Submission:

GeneDx
Classification: Likely benign. Last evaluated: 2021-05-21. Review status: criteria provided, single submitter. Criteria: GeneDx Variant Classification Process June 2021. Collection method: clinical testing. Allele origin: germline. Affected: yes.
Comment: See Variant Classification Assertion Criteria.

NM_001166120.2(HSD3B2):c.-90+57G>A

Genes: HSD3B2 (hydroxy-delta-5-steroid dehydrogenase, 3 beta- and steroid delta-isomerase 2; plus strand), LOC109029530 (HSD3B2 5' regulatory region; plus strand). Cytogenetic location: 1p12.
Variant type: single nucleotide variant.
Coding change: c.-90+57G>A on transcript NM_001166120.2; 57 bases into the intron after 90 bases upstream of the start codon, G replaced by A.
Molecular consequence: intron variant.
Genome position (GRCh38, 1-based): chr1:119,415,147, G>A. VCF-style: chr1-119415147-G-A. GRCh37 (hg19) VCF-style: chr1-119957770-G-A.
Identifiers: ClinVar variation 292254 (VCV000292254.7), dbSNP rs35226381, ClinGen allele CA10607927.
Genomic context (GRCh38, chr1:119,415,147, plus strand): 5'-CAAGGTAATAAGGGCTGAGACACAAGCCACAGAGCATAAAGCTCCAGTCCTTCCTCCAGG[G>A]ATGAGGCAGTAAGGACTTGGACTCCTCTGTCCAGCTTTTAACAATCTAAGTTACGGTTAG-3'